The following is an entry in ClinVar:

NM_021620.4(PRDM13):c.2011G>A (p.Gly671Ser)

Gene: PRDM13 (PR/SET domain 13; plus strand). Cytogenetic location: 6q16.2.
Variant type: single nucleotide variant.
Coding change: c.2011G>A on transcript NM_021620.4 (MANE Select); coding-DNA position 2011, G replaced by A.
Protein change: p.Gly671Ser; replaces glycine 671 with serine.
Molecular consequence: missense variant.
Genome position (GRCh38, 1-based): chr6:99,614,646, G>A. VCF-style: chr6-99614646-G-A. GRCh37 (hg19) VCF-style: chr6-100062522-G-A.
Other names: c.2011G>A (NM_021620.3); short protein forms G671S.
Identifiers: ClinVar variation 1053627 (VCV001053627.10), dbSNP rs768473774, ClinGen allele CA3936487.
Genomic context (GRCh38, chr6:99,614,646, plus strand): 5'-TCCCGCCACCCTGGCCAGAGTCTGCTCGCCAAAGCGGGCGACGGCCCGGGTGCCGAGCCC[G>A]GCTATCCCCCGGAGCCTGGGGATCCCAAGAGCGACGACAGTGACGTGGACGTCTGCTTCA-3'
Protein context (NP_067633.2, residues 661-681): KAGDGPGAEP[Gly671Ser]YPPEPGDPKS

ClinVar aggregate classification (germline): Conflicting classifications of pathogenicity. Review status: criteria provided, conflicting classifications (1 of 4 stars). 3 submissions from 3 submitters: Uncertain significance (2); Likely benign (1). Last evaluated 2025-09-02.

Conditions:
Inborn genetic diseases. Identifiers: MedGen C0950123, MeSH D030342.

Allele frequency attached by ClinVar (database versions not stated): gnomAD exomes 0.00001 and 0.00003; ExAC 0.00002; TOPMed 0.00003; gnomAD 0.00005 and 0.00006.
gnomAD v4.1: 30 of 1,612,268 alleles (0.0019%); highest among the groups gnomAD compares: Admixed American, 0.02%; no homozygotes.

Submissions (3):

Labcorp Genetics (formerly Invitae), Labcorp
Classification: Uncertain significance. Last evaluated: 2025-09-02. Review status: criteria provided, single submitter. Criteria: Invitae Variant Classification Sherloc (09022015). Collection method: clinical testing. Allele origin: germline.
Comment: This sequence change replaces glycine, which is neutral and non-polar, with serine, which is neutral and polar, at codon 671 of the PRDM13 protein (p.Gly671Ser). This variant is present in population databases (rs768473774, gnomAD 0.02%). This variant has not been reported in the literature in individuals affected with PRDM13-related conditions. ClinVar contains an entry for this variant (Variation ID: 1053627). An algorithm developed to predict the effect of missense changes on protein structure and function outputs the following: PolyPhen-2: "Benign". The serine amino acid residue is found in multiple mammalian species, which suggests that this missense change does not adversely affect protein function. In summary, the available evidence is currently insufficient to determine the role of this variant in disease. Therefore, it has been classified as a Variant of Uncertain Significance.

Ambry Genetics
Classification: Uncertain significance for Inborn genetic diseases. Last evaluated: 2024-09-26. Review status: criteria provided, single submitter. Criteria: Ambry Variant Classification Scheme 2023. Collection method: clinical testing. Allele origin: germline.

Blueprint Genetics
Classification: Likely benign. Last evaluated: 2023-08-21. Review status: criteria provided, single submitter. Criteria: ACMG Guidelines, 2015. Collection method: clinical testing. Allele origin: germline.